The following is an entry in ClinVar:

NM_001134407.3(GRIN2A):c.487C>T (p.Gln163Ter)

Gene: GRIN2A (glutamate ionotropic receptor NMDA type subunit 2A; minus strand). Cytogenetic location: 16p13.2.
Variant type: single nucleotide variant.
Coding change: c.487C>T on transcript NM_001134407.3 (MANE Select); coding-DNA position 487, C replaced by T.
Protein change: p.Gln163Ter; replaces glutamine 163 with a stop codon.
Molecular consequence: nonsense.
Genome position (GRCh38, 1-based): chr16:9,938,479, G>A on the plus strand (C>T on the coding strand, the complement: GRIN2A is on the minus strand). VCF-style: chr16-9938479-G-A. GRCh37 (hg19) VCF-style: chr16-10032336-G-A.
Other names: c.487C>T, p.Gln163Ter (NM_000833.5, NM_001134408.2); short protein forms Q163*.
Identifiers: ClinVar variation 391457 (VCV000391457.10), dbSNP rs1057524089, ClinGen allele CA16608367.

ClinVar aggregate classification (germline): Pathogenic/Likely pathogenic. Review status: criteria provided, multiple submitters, no conflicts (2 of 4 stars). 3 submissions from 3 submitters: Pathogenic (2); Likely pathogenic (1). Last evaluated 2020-10-01.

Conditions:
Landau-Kleffner syndrome (FESD). Also called: EPILEPSY, FOCAL, WITH SPEECH DISORDER AND WITH OR WITHOUT MENTAL RETARDATION; APHASIA, ACQUIRED, WITH EPILEPSY. Identifiers: Orphanet 1945, Orphanet 725, Orphanet 98818, MedGen C0282512, MONDO:0009509, OMIM 245570.

Allele frequency attached by ClinVar (database versions not stated): gnomAD exomes below 0.00001.

Submissions (3):

Labcorp Genetics (formerly Invitae), Labcorp
Classification: Pathogenic for Landau-Kleffner syndrome. Last evaluated: 2020-10-01. Review status: criteria provided, single submitter. Criteria: Invitae Variant Classification Sherloc (09022015). Collection method: clinical testing. Allele origin: germline.
Comment: This variant is not present in population databases (ExAC no frequency). This sequence change creates a premature translational stop signal (p.Gln163*) in the GRIN2A gene. It is expected to result in an absent or disrupted protein product. This variant has not been reported in the literature in individuals with GRIN2A-related disease. ClinVar contains an entry for this variant (Variation ID: 391457). Loss-of-function variants in GRIN2A are known to be pathogenic (PMID: 23933819, 23933820). For these reasons, this variant has been classified as Pathogenic.

Institute of Human Genetics, University of Leipzig Medical Center
Classification: Likely pathogenic for Landau-Kleffner syndrome. Last evaluated: 2019-01-01. Review status: criteria provided, single submitter. Criteria: ACMG Guidelines, 2015. Collection method: research. Allele origin: unknown. Affected: yes.

GeneDx
Classification: Pathogenic. Last evaluated: 2016-12-14. Review status: criteria provided, single submitter. Criteria: GeneDx Variant Classification (06012015). Collection method: clinical testing. Allele origin: germline. Affected: yes.
Comment: The Q163X nonsense variant in the GRIN2A gene is predicted to cause loss of normal protein function either through protein truncation or nonsense-mediated mRNA decay. The Q163X variant is not observed in large population cohorts (Lek et al., 2016; 1000 Genomes Consortium et al., 2015; Exome Variant Server). Although this pathogenic variant has not been reported previously to our knowledge, its presence is consistent with a diagnosis of GRIN2A-related disorder

Literature cited by the submitters: PubMed 23933819 (cited by Labcorp Genetics (formerly Invitae), Labcorp); PubMed 23933820 (cited by Labcorp Genetics (formerly Invitae), Labcorp); PubMed 30544257 (cited by Institute of Human Genetics, University of Leipzig Medical Center).